The following is an entry in ClinVar:

ClinVar aggregate classification (germline): Likely benign (1 of 4 stars; one submission).

Submission:

CeGaT Center for Human Genetics Tuebingen
Classification: Likely benign. Last evaluated: 2023-04-01. Review status: criteria provided, single submitter. Criteria: CeGaT Center For Human Genetics Tuebingen Variant Classification Criteria Version 2. Collection method: clinical testing. Allele origin: germline. Affected: yes. Observed: 1 variant allele.
Comment: TTN: PM2:Supporting, BP4, BP7

NM_001267550.2(TTN):c.26121T>C (p.Ala8707=)

Gene: TTN (titin; minus strand). Cytogenetic location: 2q31.2.
Variant type: single nucleotide variant.
Coding change: c.26121T>C on transcript NM_001267550.2 (MANE Select); coding-DNA position 26121, T replaced by C.
Protein change: p.Ala8707=; no amino-acid change (alanine 8707 retained).
Molecular consequence: synonymous variant. On other transcripts: intron variant (3).
Genome position (GRCh38, 1-based): chr2:178,715,065, A>G on the plus strand (T>C on the coding strand, the complement: TTN is on the minus strand). VCF-style: chr2-178715065-A-G. GRCh37 (hg19) VCF-style: chr2-179579792-A-G.
Other names: c.25170T>C, p.Ala8390= (NM_001256850.1); c.22389T>C, p.Ala7463= (NM_133378.4); c.13282+23017T>C (NM_003319.4); c.13858+23017T>C (NM_133437.4); c.13657+23017T>C (NM_133432.3).
Identifiers: ClinVar variation 2651677 (VCV002651677.24), dbSNP rs2529082030, ClinGen allele CA430285203.